The following is an entry in ClinVar:

NM_024675.4(PALB2):c.2018A>C (p.Glu673Ala)

Gene: PALB2 (partner and localizer of BRCA2; minus strand). Cytogenetic location: 16p12.2.
Variant type: single nucleotide variant.
Coding change: c.2018A>C on transcript NM_024675.4 (MANE Select); coding-DNA position 2018, A replaced by C.
Protein change: p.Glu673Ala; replaces glutamic acid 673 with alanine.
Molecular consequence: missense variant.
Genome position (GRCh38, 1-based): chr16:23,630,136, T>G on the plus strand (A>C on the coding strand, the complement: PALB2 is on the minus strand). VCF-style: chr16-23630136-T-G. GRCh37 (hg19) VCF-style: chr16-23641457-T-G.
Other names: short protein forms E673A.
Identifiers: ClinVar variation 820524 (VCV000820524.4), dbSNP rs1597090441, ClinGen allele CA395127039.

ClinVar aggregate classification (germline): Uncertain significance (1 of 4 stars; one submission).

Conditions:
Hereditary cancer-predisposing syndrome. Also called: Neoplastic Syndromes, Hereditary; Tumor predisposition; Hereditary Cancer Syndrome; Hereditary neoplastic syndrome. Identifiers: Orphanet 140162, MedGen C0027672, MeSH D009386, MONDO:0015356.

Allele frequency attached by ClinVar (database versions not stated): gnomAD exomes below 0.00001.

Submission:

Ambry Genetics
Classification: Uncertain significance for Hereditary cancer-predisposing syndrome. Last evaluated: 2018-12-17. Review status: criteria provided, single submitter. Criteria: Ambry Variant Classification Scheme 2023. Collection method: clinical testing. Allele origin: germline.
Comment: The p.E673A variant (also known as c.2018A>C), located in coding exon 5 of the PALB2 gene, results from an A to C substitution at nucleotide position 2018. The glutamic acid at codon 673 is replaced by alanine, an amino acid with dissimilar properties. This amino acid position is poorly conserved in available vertebrate species. In addition, this alteration is predicted to be tolerated by in silico analysis.